The following is an entry in ClinVar:

NM_001363711.2(DUOX2):c.1624G>A (p.Asp542Asn)

Gene: DUOX2 (dual oxidase 2; minus strand). Cytogenetic location: 15q21.1.
Variant type: single nucleotide variant.
Coding change: c.1624G>A on transcript NM_001363711.2 (MANE Select); coding-DNA position 1624, G replaced by A.
Protein change: p.Asp542Asn; replaces aspartic acid 542 with asparagine.
Molecular consequence: missense variant.
Genome position (GRCh38, 1-based): chr15:45,107,414, C>T on the plus strand (G>A on the coding strand, the complement: DUOX2 is on the minus strand). VCF-style: chr15-45107414-C-T. GRCh37 (hg19) VCF-style: chr15-45399612-C-T.
Other names: c.1624G>A, p.Asp542Asn (NM_014080.5); short protein forms D542N.
Identifiers: ClinVar variation 2078445 (VCV002078445.4), dbSNP rs758551466, ClinGen allele CA7538543.

ClinVar aggregate classification (germline): Uncertain significance (1 of 4 stars; one submission).

Allele frequency attached by ClinVar (database versions not stated): ExAC 0.00002.

Submission:

Labcorp Genetics (formerly Invitae), Labcorp
Classification: Uncertain significance. Last evaluated: 2023-05-20. Review status: criteria provided, single submitter. Criteria: Invitae Variant Classification Sherloc (09022015). Collection method: clinical testing. Allele origin: germline.
Comment: This sequence change replaces aspartic acid, which is acidic and polar, with asparagine, which is neutral and polar, at codon 542 of the DUOX2 protein (p.Asp542Asn). This variant is present in population databases (rs758551466, gnomAD 0.006%). This variant has not been reported in the literature in individuals affected with DUOX2-related conditions. In summary, the available evidence is currently insufficient to determine the role of this variant in disease. Therefore, it has been classified as a Variant of Uncertain Significance. Advanced modeling of protein sequence and biophysical properties (such as structural, functional, and spatial information, amino acid conservation, physicochemical variation, residue mobility, and thermodynamic stability) performed at Invitae indicates that this missense variant is not expected to disrupt DUOX2 protein function. ClinVar contains an entry for this variant (Variation ID: 2078445).